The following is an entry in ClinVar:

NM_022725.4(FANCF):c.689C>G (p.Pro230Arg)

Gene: FANCF (FA complementation group F; minus strand). Cytogenetic location: 11p14.3.
Variant type: single nucleotide variant.
Coding change: c.689C>G on transcript NM_022725.4 (MANE Select); coding-DNA position 689, C replaced by G.
Protein change: p.Pro230Arg; replaces proline 230 with arginine.
Molecular consequence: missense variant.
Genome position (GRCh38, 1-based): chr11:22,625,122, G>C on the plus strand (C>G on the coding strand, the complement: FANCF is on the minus strand). VCF-style: chr11-22625122-G-C. GRCh37 (hg19) VCF-style: chr11-22646668-G-C.
Other names: short protein forms P230R.
Identifiers: ClinVar variation 966413 (VCV000966413.9), dbSNP rs762305649, ClinGen allele CA5924274.
Genomic context (GRCh38, chr11:22,625,122, plus strand): 5'-GCAGCAAAGACTTCCGAATTCCCCAGAAGCCAGTGGACTAGCACTTGGCTCCCCTCTCCA[G>C]GTGATTTGTGGATGCCGGGTTCCAACTCTTCTTGGGGCCGACGAGACAAAGGCGGCTGCA-3'
Protein context (NP_073562.1, residues 220-240): EELEPGIHKS[Pro230Arg]GEGSQVLVHW

ClinVar aggregate classification (germline): Uncertain significance (1 of 4 stars; one submission).

Conditions:
Fanconi anemia (FA). Also called: Fanconi's anemia. Identifiers: Orphanet 84, MedGen C0015625, MeSH D005199, MONDO:0019391.

gnomAD v4.1: 6 of 1,609,086 alleles (0.00037%); highest among the groups gnomAD compares: Admixed American, 0.0017%; no homozygotes.

Submission:

Labcorp Genetics (formerly Invitae), Labcorp
Classification: Uncertain significance for Fanconi anemia. Last evaluated: 2019-09-29. Review status: criteria provided, single submitter. Criteria: Invitae Variant Classification Sherloc (09022015). Collection method: clinical testing. Allele origin: germline.
Comment: This sequence change replaces proline with arginine at codon 230 of the FANCF protein (p.Pro230Arg). The proline residue is weakly conserved and there is a moderate physicochemical difference between proline and arginine. This variant is present in population databases (rs762305649, ExAC 0.009%). This variant has not been reported in the literature in individuals with FANCF-related conditions. Algorithms developed to predict the effect of missense changes on protein structure and function (SIFT, PolyPhen-2, Align-GVGD) all suggest that this variant is likely to be tolerated, but these predictions have not been confirmed by published functional studies and their clinical significance is uncertain. In summary, the available evidence is currently insufficient to determine the role of this variant in disease. Therefore, it has been classified as a Variant of Uncertain Significance.